The following is an entry in ClinVar:

ClinVar aggregate classification (germline): Uncertain significance (1 of 4 stars; one submission).

Conditions:
Hypertrophic cardiomyopathy 12. Identifiers: MedGen C2677491, MONDO:0012804, OMIM 612124.
Dilated cardiomyopathy 1M (CMD1M). Identifiers: Orphanet 154, MedGen C1843808, MONDO:0011840, OMIM 607482.

Allele frequency attached by ClinVar (database versions not stated): gnomAD exomes below 0.00001.
gnomAD v4.1: 1 of 1,614,164 alleles (0.000062%); highest among the groups gnomAD compares: Non-Finnish European, 0.000085%; no homozygotes.

Submission:

Labcorp Genetics (formerly Invitae), Labcorp
Classification: Uncertain significance for Hypertrophic cardiomyopathy 12; Dilated cardiomyopathy 1M. Last evaluated: 2021-09-01. Review status: criteria provided, single submitter. Criteria: Invitae Variant Classification Sherloc (09022015). Collection method: clinical testing. Allele origin: germline.
Comment: This sequence change replaces cysteine with serine at codon 25 of the CSRP3 protein (p.Cys25Ser). The cysteine residue is highly conserved and there is a moderate physicochemical difference between cysteine and serine. This variant is not present in population databases (ExAC no frequency). This variant has not been reported in the literature in individuals affected with CSRP3-related conditions. Algorithms developed to predict the effect of missense changes on protein structure and function are either unavailable or do not agree on the potential impact of this missense change (SIFT: "Tolerated"; PolyPhen-2: "Probably Damaging"; Align-GVGD: "Class C0"). In summary, the available evidence is currently insufficient to determine the role of this variant in disease. Therefore, it has been classified as a Variant of Uncertain Significance.

NM_003476.5(CSRP3):c.73T>A (p.Cys25Ser)

Gene: CSRP3 (cysteine and glycine rich protein 3; minus strand). Cytogenetic location: 11p15.1.
Variant type: single nucleotide variant.
Coding change: c.73T>A on transcript NM_003476.5 (MANE Select); coding-DNA position 73, T replaced by A.
Protein change: p.Cys25Ser; replaces cysteine 25 with serine.
Molecular consequence: missense variant.
Genome position (GRCh38, 1-based): chr11:19,192,376, A>T on the plus strand (T>A on the coding strand, the complement: CSRP3 is on the minus strand). VCF-style: chr11-19192376-A-T. GRCh37 (hg19) VCF-style: chr11-19213923-A-T.
Other names: c.73T>A, p.Cys25Ser (NM_001369404.1); short protein forms C25S.
Identifiers: ClinVar variation 1361210 (VCV001361210.5), dbSNP rs2133516363, ClinGen allele CA379888554.